The following is an entry in ClinVar:

ClinVar aggregate classification (germline): Uncertain significance (1 of 4 stars; one submission).

gnomAD v4.1: 1 of 1,613,854 alleles (0.000062%); highest among the groups gnomAD compares: African/African-American, 0.0013%; no homozygotes.

Submission:

Women's Health and Genetics/Laboratory Corporation of America, LabCorp
Classification: Uncertain significance. Last evaluated: 2025-03-11. Review status: criteria provided, single submitter. Criteria: LabCorp Variant Classification Summary - May 2015. Collection method: clinical testing. Allele origin: germline.
Comment: Variant summary: LAMA2 c.146A>C (p.Asn49Thr) results in a non-conservative amino acid change located in the N-terminal domain (IPR008211) of the encoded protein sequence. Two of four in-silico tools predict a benign effect of the variant on protein function. The variant allele was found at a frequency of 6.2e-07 in 1606858 control chromosomes in the gnomAD database (v4.1 dataset). The available data on variant occurrences in the general population are insufficient to allow any conclusion about variant significance. To our knowledge, no occurrence of c.146A>C in individuals affected with Merosin deficient congenital muscular dystrophy and no experimental evidence demonstrating its impact on protein function have been reported. No submitters have cited clinical-significance assessments for this variant to ClinVar. Based on the evidence outlined above, the variant was classified as uncertain significance.

NM_000426.4(LAMA2):c.146A>C (p.Asn49Thr)

Gene: LAMA2 (laminin subunit alpha 2; plus strand). Cytogenetic location: 6q22.33.
Variant type: single nucleotide variant.
Coding change: c.146A>C on transcript NM_000426.4 (MANE Select); coding-DNA position 146, A replaced by C.
Protein change: p.Asn49Thr; replaces asparagine 49 with threonine.
Molecular consequence: missense variant.
Genome position (GRCh38, 1-based): chr6:129,049,951, A>C. VCF-style: chr6-129049951-A-C. GRCh37 (hg19) VCF-style: chr6-129371096-A-C.
Other names: c.146A>C, p.Asn49Thr (NM_001079823.2); short protein forms N49T.
Identifiers: ClinVar variation 3895726 (VCV003895726.1).